The following is an entry in ClinVar:

NM_000492.4(CFTR):c.4142A>C (p.Tyr1381Ser)

Gene: CFTR (CF transmembrane conductance regulator; plus strand). Cytogenetic location: 7q31.2.
Variant type: single nucleotide variant.
Coding change: c.4142A>C on transcript NM_000492.4 (MANE Select); coding-DNA position 4142, A replaced by C.
Protein change: p.Tyr1381Ser; replaces tyrosine 1381 with serine.
Molecular consequence: missense variant.
Genome position (GRCh38, 1-based): chr7:117,665,464, A>C. VCF-style: chr7-117665464-A-C. GRCh37 (hg19) VCF-style: chr7-117305518-A-C.
Other names: short protein forms Y1381S.
Identifiers: ClinVar variation 2453661 (VCV002453661.2), dbSNP rs776388660, ClinGen allele CA4451652.

ClinVar aggregate classification (germline): Uncertain significance (1 of 4 stars; one submission).

Conditions:
Cystic fibrosis (CF). Also called: MUCOVISCIDOSIS. Identifiers: Orphanet 586, MedGen C0010674, MONDO:0009061, OMIM 219700. Disease mechanism: loss of function.

Allele frequency attached by ClinVar (database versions not stated): ExAC 0.00001.
gnomAD v4.1: 2 of 1,590,150 alleles (0.00013%); highest among the groups gnomAD compares: Non-Finnish European, 0.00017%; no homozygotes.

Submission:

Ambry Genetics
Classification: Uncertain significance for Cystic fibrosis. Last evaluated: 2023-02-24. Review status: criteria provided, single submitter. Criteria: Ambry Variant Classification Scheme 2023. Collection method: clinical testing. Allele origin: germline.
Comment: The p.Y1381S variant (also known as c.4142A>C), located in coding exon 26 of the CFTR gene, results from an A to C substitution at nucleotide position 4142. The tyrosine at codon 1381 is replaced by serine, an amino acid with dissimilar properties. This amino acid position is conserved. In addition, the in silico prediction for this alteration is inconclusive. Since supporting evidence is limited at this time, the clinical significance of this alteration remains unclear.